The following is an entry in ClinVar:

NM_053025.4(MYLK):c.4619+2T>G

Gene: MYLK (myosin light chain kinase; minus strand). Cytogenetic location: 3q21.1.
Variant type: single nucleotide variant.
Coding change: c.4619+2T>G on transcript NM_053025.4 (MANE Select); the canonical splice donor site of the intron after coding-DNA position 4619, T replaced by G.
Molecular consequence: splice donor variant.
Genome position (GRCh38, 1-based): chr3:123,647,222, A>C on the plus strand (T>G on the coding strand, the complement: MYLK is on the minus strand). VCF-style: chr3-123647222-A-C. GRCh37 (hg19) VCF-style: chr3-123366069-A-C.
Other names: c.4091+2T>G (NM_001321309.2); c.4412+2T>G (NM_053028.4, NM_053026.4); c.4619+2T>G (NM_053027.4).
Identifiers: ClinVar variation 539083 (VCV000539083.11), dbSNP rs1553780501, ClinGen allele CA354226930.

ClinVar aggregate classification (germline): Likely pathogenic (1 of 4 stars; one submission).

Conditions:
Aortic aneurysm, familial thoracic 7 (AAT7). Also called: AORTIC DISSECTION, FAMILIAL, WITH OR WITHOUT AORTIC ANEURYSM. Identifiers: MedGen C3151077, MONDO:0013418, OMIM 613780.

Allele frequency attached by ClinVar (database versions not stated): TOPMed below 0.00001; gnomAD 0.00001.
gnomAD v4.1: 1 of 1,613,924 alleles (0.000062%); highest among the groups gnomAD compares: Non-Finnish European, 0.000085%; no homozygotes.

Submission:

Labcorp Genetics (formerly Invitae), Labcorp
Classification: Likely pathogenic for Aortic aneurysm, familial thoracic 7. Last evaluated: 2025-02-16. Review status: criteria provided, single submitter. Criteria: Invitae Variant Classification Sherloc (09022015). Collection method: clinical testing. Allele origin: germline.
Comment: This sequence change affects a donor splice site in intron 27 of the MYLK gene. This variant occurs within the aortic-specific isoform of MYLK. Loss-of-function variants in the aortic-specific isoform of MYLK are known to be pathogenic for thoracic aortic dissections (PMID: 21055718). This variant is not present in population databases (gnomAD no frequency). Disruption of this splice site has been observed in individual(s) with clinical features of MYLK-related conditions (PMID: 21520333). ClinVar contains an entry for this variant (Variation ID: 539083). Algorithms developed to predict the effect of sequence changes on RNA splicing suggest that this variant may disrupt the consensus splice site. In summary, the currently available evidence indicates that the variant is pathogenic, but additional data are needed to prove that conclusively. Therefore, this variant has been classified as Likely Pathogenic.

Literature cited by the submitters: PubMed 21055718; PubMed 21520333.